The following is an entry in ClinVar:

NC_000015.10:g.(?_22786632)_(22829789_?)del

Genes: NIPA1 (NIPA magnesium transporter 1; plus strand), LOC130056711 (ATAC-STARR-seq lymphoblastoid silent region 6261; plus strand), LOC130056709 (ATAC-STARR-seq lymphoblastoid silent region 6259; plus strand), LOC130056710 (ATAC-STARR-seq lymphoblastoid silent region 6260; plus strand), LOC130056712 (ATAC-STARR-seq lymphoblastoid active region 9154; plus strand) and 1 more. Cytogenetic location: 15q11.2.
Variant type: Deletion.
Identifiers: ClinVar variation 417311 (VCV000417311.1).

ClinVar aggregate classification (germline): Uncertain significance (1 of 4 stars; one submission).

Conditions:
Hereditary spastic paraplegia 6 (SPG6). Also called: SPASTIC PARAPLEGIA 6, AUTOSOMAL DOMINANT. Identifiers: Orphanet 100988, MedGen C1838192, MONDO:0010878, OMIM 600363.

Submission:

Labcorp Genetics (formerly Invitae), Labcorp
Classification: Uncertain significance for Hereditary spastic paraplegia 6. Last evaluated: 2016-08-29. Review status: criteria provided, single submitter. Criteria: Invitae Variant Classification Sherloc (09022015). Collection method: clinical testing. Allele origin: germline.
Comment: A gross deletion of the genomic region encompassing the full coding sequence of the NIPA1 gene has been identified. The boundaries of this event are unknown as the deletion extends beyond the assayed region for this gene and therefore may encompass additional genes. The current clinical and genetic evidence is not sufficient to establish whether loss-of-function variants in NIPA1 cause disease. Therefore, this variant has been classified as a Variant of Uncertain Significance.